The following is an entry in ClinVar:

ClinVar aggregate classification (germline): Uncertain significance (1 of 4 stars; one submission).

Conditions:
Ellis-van Creveld syndrome (EVC). Also called: EVC-Related Ellis-van Creveld Syndrome; EVC2-Related Ellis-van Creveld Syndrome; MESOECTODERMAL DYSPLASIA; Chondroectodermal dysplasia. Identifiers: Orphanet 289, MedGen C0013903, MONDO:0009162, OMIM 225500.
Curry-Hall syndrome (WAD). Also called: WEYERS ACRODENTAL DYSOSTOSIS. Identifiers: Orphanet 952, MedGen C0457013, MONDO:0008673, OMIM 193530.

Submission:

Labcorp Genetics (formerly Invitae), Labcorp
Classification: Uncertain significance for Curry-Hall syndrome; Ellis-van Creveld syndrome. Last evaluated: 2025-04-21. Review status: criteria provided, single submitter. Criteria: Invitae Variant Classification Sherloc (09022015). Collection method: clinical testing. Allele origin: germline.
Comment: This sequence change replaces alanine, which is neutral and non-polar, with glycine, which is neutral and non-polar, at codon 883 of the EVC2 protein (p.Ala883Gly). This variant is not present in population databases (gnomAD no frequency). This variant has not been reported in the literature in individuals affected with EVC2-related conditions. An algorithm developed to predict the effect of missense changes on protein structure and function (PolyPhen-2) suggests that this variant is likely to be disruptive. In summary, the available evidence is currently insufficient to determine the role of this variant in disease. Therefore, it has been classified as a Variant of Uncertain Significance.

NM_147127.5(EVC2):c.2648C>G (p.Ala883Gly)

Gene: EVC2 (EvC ciliary complex subunit 2; minus strand). Cytogenetic location: 4p16.2.
Variant type: single nucleotide variant.
Coding change: c.2648C>G on transcript NM_147127.5 (MANE Select); coding-DNA position 2648, C replaced by G.
Protein change: p.Ala883Gly; replaces alanine 883 with glycine.
Molecular consequence: missense variant.
Genome position (GRCh38, 1-based): chr4:5,618,536, G>C on the plus strand (C>G on the coding strand, the complement: EVC2 is on the minus strand). VCF-style: chr4-5618536-G-C. GRCh37 (hg19) VCF-style: chr4-5620263-G-C.
Other names: c.2408C>G, p.Ala803Gly (NM_001166136.2); short protein forms A803G, A883G.
Identifiers: ClinVar variation 4791880 (VCV004791880.1).